The following is an entry in ClinVar:

NM_004415.4(DSP):c.5230G>A (p.Asp1744Asn)

Gene: DSP (desmoplakin; plus strand). Cytogenetic location: 6p24.3.
Variant type: single nucleotide variant.
Coding change: c.5230G>A on transcript NM_004415.4 (MANE Select); coding-DNA position 5230, G replaced by A.
Protein change: p.Asp1744Asn; replaces aspartic acid 1744 with asparagine.
Molecular consequence: missense variant. On other transcripts: intron variant (2).
Genome position (GRCh38, 1-based): chr6:7,581,420, G>A. VCF-style: chr6-7581420-G-A. GRCh37 (hg19) VCF-style: chr6-7581653-G-A.
Other names: c.4050+1180G>A (NM_001319034.2); c.3583-1222G>A (NM_001008844.3); short protein forms D1744N.
Identifiers: ClinVar variation 4756470 (VCV004756470.1).
Genomic context (GRCh38, chr6:7,581,420, plus strand): 5'-CTGCGGAACCTGAGGCTGGAGTACGATGACCTGAGGAGAGGACGAAGCGAAGCGGACAGT[G>A]ATAAAAATGCAACCATCTTGGAACTAAGGAGCCAGCTGCAGATCAGCAACAACCGGACCC-3'
Protein context (NP_004406.2, residues 1734-1754): LRRGRSEADS[Asp1744Asn]KNATILELRS

ClinVar aggregate classification (germline): Uncertain significance (1 of 4 stars; one submission).

Conditions:
Cardiomyopathy (CMYO). Also called: Cardiomyopathies. Identifiers: Orphanet 167848, MedGen C0878544, MONDO:0004994, HP:0001638. Inheritance: Various modes of inheritance.

gnomAD v4.1: 5 of 1,613,002 alleles (0.00031%); highest among the groups gnomAD compares: Non-Finnish European, 0.00042%; no homozygotes.

Submission:

Color Diagnostics, LLC DBA Color Health
Classification: Uncertain significance for Cardiomyopathy. Last evaluated: 2025-09-08. Review status: criteria provided, single submitter. Criteria: ACMG Guidelines, 2015. Collection method: clinical testing. Allele origin: germline.
Comment: This missense variant replaces aspartic acid with asparagine at codon 1744 of the DSP protein. Computational prediction suggests that this variant may not impact protein structure and function. To our knowledge, functional studies have not been reported for this variant. This variant has not been reported in individuals affected with DSP-related disorders in the literature. This variant has been identified in 1/250788 chromosomes in the general population by the Genome Aggregation Database (gnomAD). The available evidence is insufficient to determine the role of this variant in disease conclusively. Therefore, this variant is classified as a Variant of Uncertain Significance.